The following is an entry in ClinVar:

NM_017514.5(PLXNA3):c.267C>G (p.Arg89=)

Gene: PLXNA3 (plexin A3; plus strand). Cytogenetic location: Xq28.
Variant type: single nucleotide variant.
Coding change: c.267C>G on transcript NM_017514.5 (MANE Select); coding-DNA position 267, C replaced by G.
Protein change: p.Arg89=; no amino-acid change (arginine 89 retained).
Molecular consequence: synonymous variant.
Genome position (GRCh38, 1-based): chrX:154,460,450, C>G. VCF-style: chrX-154460450-C-G. GRCh37 (hg19) VCF-style: chrX-153688790-C-G.
Identifiers: ClinVar variation 3352049 (VCV003352049.1).

ClinVar aggregate classification (germline): Likely benign (0 of 4 stars; one submission).

Conditions:
PLXNA3-related disorder. Also called: PLXNA3-related condition.

Submission:

PreventionGenetics, part of Exact Sciences
Classification: Likely benign for PLXNA3-related condition. Last evaluated: 2023-03-07. Review status: no assertion criteria provided. Collection method: clinical testing. Allele origin: germline.
Comment: This variant is classified as likely benign based on ACMG/AMP sequence variant interpretation guidelines (Richards et al. 2015 PMID: 25741868, with internal and published modifications).